The following is an entry in ClinVar:

ClinVar aggregate classification (germline): Uncertain significance (1 of 4 stars; one submission).

Allele frequency attached by ClinVar (database versions not stated): ExAC 0.00001.
gnomAD v4.1: 1 of 1,614,108 alleles (0.000062%); highest among the groups gnomAD compares: Admixed American, 0.0017%; no homozygotes.

Submission:

Labcorp Genetics (formerly Invitae), Labcorp
Classification: Uncertain significance. Last evaluated: 2022-07-11. Review status: criteria provided, single submitter. Criteria: Invitae Variant Classification Sherloc (09022015). Collection method: clinical testing. Allele origin: germline.
Comment: In summary, the available evidence is currently insufficient to determine the role of this variant in disease. Therefore, it has been classified as a Variant of Uncertain Significance. Algorithms developed to predict the effect of sequence changes on RNA splicing suggest that this variant may disrupt the consensus splice site. This variant has not been reported in the literature in individuals affected with AGBL5-related conditions. This variant is present in population databases (rs778999758, gnomAD 0.003%). This sequence change affects codon 612 of the AGBL5 mRNA. It is a 'silent' change, meaning that it does not change the encoded amino acid sequence of the AGBL5 protein.

NM_021831.6(AGBL5):c.1836C>T (p.Asn612=)

Gene: AGBL5 (AGBL carboxypeptidase 5; plus strand). Cytogenetic location: 2p23.3.
Variant type: single nucleotide variant.
Coding change: c.1836C>T on transcript NM_021831.6 (MANE Select); coding-DNA position 1836, C replaced by T.
Protein change: p.Asn612=; no amino-acid change (asparagine 612 retained).
Molecular consequence: synonymous variant. On other transcripts: non-coding transcript variant (2).
Genome position (GRCh38, 1-based): chr2:27,058,564, C>T. VCF-style: chr2-27058564-C-T. GRCh37 (hg19) VCF-style: chr2-27281432-C-T.
Other names: c.1836C>T, p.Asn612= (NM_001035506.1, NM_001035507.3).
Identifiers: ClinVar variation 2016201 (VCV002016201.4), dbSNP rs778999758, ClinGen allele CA1567980.